The following is an entry in ClinVar:

NM_000038.6(APC):c.6865A>G (p.Thr2289Ala)

Gene: APC (APC regulator of Wnt signaling pathway; plus strand). Cytogenetic location: 5q22.2.
Variant type: single nucleotide variant.
Coding change: c.6865A>G on transcript NM_000038.6 (MANE Select); coding-DNA position 6865, A replaced by G.
Protein change: p.Thr2289Ala; replaces threonine 2289 with alanine.
Molecular consequence: missense variant.
Genome position (GRCh38, 1-based): chr5:112,842,459, A>G. VCF-style: chr5-112842459-A-G. GRCh37 (hg19) VCF-style: chr5-112178156-A-G.
Other names: c.6865A>G, p.Thr2289Ala (NM_001127510.3, NM_001354895.2); c.6811A>G, p.Thr2271Ala (NM_001127511.3); c.6919A>G, p.Thr2307Ala (NM_001354896.2); c.6895A>G, p.Thr2299Ala (NM_001354897.2); c.6790A>G, p.Thr2264Ala (NM_001354898.2); c.6781A>G, p.Thr2261Ala (NM_001354899.2); c.6742A>G, p.Thr2248Ala (NM_001354900.2); c.6688A>G, p.Thr2230Ala (NM_001354901.2); and 5 more; short protein forms T2271A, T2289A, T2188A, T2299A, T2307A, T2129A, T2198A, T2261A.
Identifiers: ClinVar variation 490346 (VCV000490346.23), dbSNP rs1554087807, ClinGen allele CA16036316.

ClinVar aggregate classification (germline): Uncertain significance. Review status: criteria provided, multiple submitters, no conflicts (2 of 4 stars). 6 submissions from 6 submitters: Uncertain significance (6). Last evaluated 2025-04-03.

Conditions:
Familial adenomatous polyposis 1 (FAP1). Also called: POLYPOSIS, ADENOMATOUS INTESTINAL; FAMILIAL ADENOMATOUS POLYPOSIS 1, ATTENUATED. Identifiers: MedGen C2713442, MONDO:0021056, OMIM 175100. Disease mechanism: loss of function.
Hereditary cancer-predisposing syndrome. Also called: Hereditary Cancer Syndrome; Neoplastic Syndromes, Hereditary; Tumor predisposition; Hereditary neoplastic syndrome. Identifiers: Orphanet 140162, MedGen C0027672, MeSH D009386, MONDO:0015356.

Allele frequency attached by ClinVar (database versions not stated): gnomAD below 0.00001 and 0.00001; gnomAD exomes below 0.00001.
gnomAD v4.1: 6 of 1,613,908 alleles (0.00037%); highest among the groups gnomAD compares: South Asian, 0.0022%; no homozygotes.

Submissions (6):

Labcorp Genetics (formerly Invitae), Labcorp
Classification: Uncertain significance for Familial adenomatous polyposis 1. Last evaluated: 2025-04-03. Review status: criteria provided, single submitter. Criteria: Invitae Variant Classification Sherloc (09022015). Collection method: clinical testing. Allele origin: germline.
Comment: This sequence change replaces threonine, which is neutral and polar, with alanine, which is neutral and non-polar, at codon 2289 of the APC protein (p.Thr2289Ala). This variant is not present in population databases (gnomAD no frequency). This variant has not been reported in the literature in individuals affected with APC-related conditions. ClinVar contains an entry for this variant (Variation ID: 490346). Invitae Evidence Modeling of protein sequence and biophysical properties (such as structural, functional, and spatial information, amino acid conservation, physicochemical variation, residue mobility, and thermodynamic stability) indicates that this missense variant is not expected to disrupt APC protein function with a negative predictive value of 95%. In summary, the available evidence is currently insufficient to determine the role of this variant in disease. Therefore, it has been classified as a Variant of Uncertain Significance.

Ambry Genetics
Classification: Uncertain significance for Hereditary cancer-predisposing syndrome. Last evaluated: 2024-08-12. Review status: criteria provided, single submitter. Criteria: Ambry Variant Classification Scheme 2023. Collection method: clinical testing. Allele origin: germline.
Comment: The p.T2289A variant (also known as c.6865A>G), located in coding exon 15 of the APC gene, results from an A to G substitution at nucleotide position 6865. The threonine at codon 2289 is replaced by alanine, an amino acid with similar properties. This amino acid position is not well conserved in available vertebrate species. In addition, in silico predictors for this gene do not accurately predict pathogenicity. Missense alterations in APC are not a common cause of disease (Spier I et al. Genet Med. 2024 Feb;26(2):100992). Based on the available evidence, the clinical significance of this variant remains unclear.

Baylor Genetics
Classification: Uncertain significance for Familial adenomatous polyposis 1. Last evaluated: 2023-12-17. Review status: criteria provided, single submitter. Criteria: ACMG Guidelines, 2015. Collection method: clinical testing. Allele origin: unknown.

Sema4
Classification: Uncertain significance for Hereditary cancer-predisposing syndrome. Last evaluated: 2021-12-23. Review status: criteria provided, single submitter. Criteria: Sema4 Curation Guidelines. Collection method: curation. Allele origin: germline.
Comment: The APC c.6865A>G (p.T2289A) variant has not been reported in the literature to our knowledge. It was not observed in the large and broad cohorts of the Genome Aggregation Database (PMID: 32461654). This variant has been reported in ClinVar (Variation ID 490346). In silico tools suggest the impact of the variant on protein function is benign, though these predictions have not been confirmed by functional studies. The evidence is insufficient to meet ACMG/AMP criteria for classifying the variant as benign or pathogenic. Thus, the clinical significance of this variant is currently uncertain.

GeneDx
Classification: Uncertain significance. Last evaluated: 2021-02-03. Review status: criteria provided, single submitter. Criteria: GeneDx Variant Classification Process June 2021. Collection method: clinical testing. Allele origin: germline. Affected: yes.
Comment: Not observed in large population cohorts (Lek et al., 2016); In silico analysis supports that this missense variant does not alter protein structure/function; Has not been previously published as pathogenic or benign to our knowledge

Color Diagnostics, LLC DBA Color Health
Classification: Uncertain significance for Hereditary cancer-predisposing syndrome. Last evaluated: 2020-02-21. Review status: criteria provided, single submitter. Criteria: ACMG Guidelines, 2015. Collection method: clinical testing. Allele origin: germline.
Comment: This missense variant replaces threonine with alanine at codon 2289 of the APC protein. Computational prediction suggests that this variant may not impact protein structure and function (internally defined REVEL score threshold <= 0.5, PMID: 27666373). Splice site prediction tools suggest that this variant may not impact RNA splicing. To our knowledge, functional studies have not been performed for this variant. This variant has not been reported in individuals affected with hereditary cancer in the literature. This variant has not been identified in the general population by the Genome Aggregation Database (gnomAD). The available evidence is insufficient to determine the role of this variant in disease conclusively. Therefore, this variant is classified as a Variant of Uncertain Significance.